The following is an entry in ClinVar:

ClinVar aggregate classification (germline): Uncertain significance (1 of 4 stars; one submission).

Conditions:
Charcot-Marie-Tooth disease type 4. Also called: Charcot-Marie-Tooth, Type 4; Charcot-Marie-Tooth disease, type IV. Identifiers: Orphanet 64749, MedGen C4082197, MONDO:0018995.

Allele frequency attached by ClinVar (database versions not stated): gnomAD exomes below 0.00001; ExAC 0.00001.
gnomAD v4.1: 3 of 1,613,718 alleles (0.00019%); highest among the groups gnomAD compares: Non-Finnish European, 0.00025%; no homozygotes.

Submission:

Labcorp Genetics (formerly Invitae), Labcorp
Classification: Uncertain significance for Charcot-Marie-Tooth disease type 4. Last evaluated: 2018-09-20. Review status: criteria provided, single submitter. Criteria: Invitae Variant Classification Sherloc (09022015). Collection method: clinical testing. Allele origin: germline.
Comment: This sequence change falls in intron 3 of the SBF2 gene. It does not directly change the encoded amino acid sequence of the SBF2 protein, but it affects a nucleotide within the consensus splice site of the intron. This variant is present in population databases (rs757128114, ExAC 0.001%). This variant has not been reported in the literature in individuals with SBF2-related disease. Nucleotide substitutions within the consensus splice site are a relatively common cause of aberrant splicing (PMID: 17576681, 9536098). Algorithms developed to predict the effect of sequence changes on RNA splicing suggest that this variant may create or strengthen a splice site, but this prediction has not been confirmed by published transcriptional studies. In summary, the available evidence is currently insufficient to determine the role of this variant in disease. Therefore, it has been classified as a Variant of Uncertain Significance.

Literature cited by the submitters: PubMed 17576681; PubMed 9536098.

NM_030962.4(SBF2):c.279+4C>A

Gene: SBF2 (SET binding factor 2; minus strand). Cytogenetic location: 11p15.4.
Variant type: single nucleotide variant.
Coding change: c.279+4C>A on transcript NM_030962.4 (MANE Select); 4 bases into the intron after coding-DNA position 279, C replaced by A.
Molecular consequence: intron variant.
Genome position (GRCh38, 1-based): chr11:10,042,840, G>T on the plus strand (C>A on the coding strand, the complement: SBF2 is on the minus strand). VCF-style: chr11-10042840-G-T. GRCh37 (hg19) VCF-style: chr11-10064387-G-T.
Other names: c.279+4C>A (NM_001386342.1, NM_001386339.1).
Identifiers: ClinVar variation 659488 (VCV000659488.9), dbSNP rs757128114, ClinGen allele CA5882179.